The following is an entry in ClinVar:

ClinVar aggregate classification (germline): Uncertain significance (1 of 4 stars; one submission).

Allele frequency attached by ClinVar (database versions not stated): gnomAD exomes below 0.00001; ExAC 0.00001.

Submission:

GeneDx
Classification: Uncertain significance. Last evaluated: 2017-03-07. Review status: criteria provided, single submitter. Criteria: GeneDx Variant Classification (06012015). Collection method: clinical testing. Allele origin: germline. Affected: yes.
Comment: A variant of uncertain significance has been identified in the AHI1 gene. The R622K variant has not been published as a pathogenic variant, nor has it been reported as a benign variant to our knowledge. It is not observed at a significant frequency in large population cohorts (Lek et al., 2016; 1000 Genomes Consortium et al., 2015; Exome Variant Server). The R622K variant is a conservative amino acid substitution, which is not likely to impact secondary protein structure as these residues share similar properties. However, this substitution occurs at a position that is conserved in mammals. In silico analysis is inconsistent in its predictions as to whether or not the R622K variant is damaging to the protein structure/function. Based on the currently available information, it is unclear whether this variant is a pathogenic variant or a rare benign variant.

NM_001134831.2(AHI1):c.1865G>A (p.Arg622Lys)

Gene: AHI1 (Abelson helper integration site 1; minus strand). Cytogenetic location: 6q23.3.
Variant type: single nucleotide variant.
Coding change: c.1865G>A on transcript NM_001134831.2 (MANE Select); coding-DNA position 1865, G replaced by A.
Protein change: p.Arg622Lys; replaces arginine 622 with lysine.
Molecular consequence: missense variant.
Genome position (GRCh38, 1-based): chr6:135,442,629, C>T on the plus strand (G>A on the coding strand, the complement: AHI1 is on the minus strand). VCF-style: chr6-135442629-C-T. GRCh37 (hg19) VCF-style: chr6-135763767-C-T.
Other names: c.1865G>A, p.Arg622Lys (NM_001134830.2, NM_001134832.2, NM_001350503.2 and 2 more transcripts); short protein forms R622K.
Identifiers: ClinVar variation 424116 (VCV000424116.2), dbSNP rs777497854, ClinGen allele CA4012489.